The following is an entry in ClinVar:

ClinVar aggregate classification (germline): Uncertain significance (1 of 4 stars; one submission).

Submission:

GeneDx
Classification: Uncertain significance. Last evaluated: 2013-04-10. Review status: criteria provided, single submitter. Criteria: GeneDx Variant Classification (06012015). Collection method: clinical testing. Allele origin: germline. Affected: yes.
Comment: p.Ala820Pro (GCC>CCC): c.2458 G>C in exon 22 of the MYH7 gene (NM_000257.2). The Ala820Pro variant in the MYH7 gene has not been reported as a disease-causing mutation or as a benign polymorphism to our knowledge. Ala820Pro results in a semi-conservative amino acid substitution of a non-polar Alanine with a non-polar but sterically-constrained Proline at a position that is not well conserved across species. In silico analysis predicts Ala820Pro is benign to the protein structure/function. However, Ala820Pro was not observed in approximately 6500 individuals of European and African American ancestry in the NHLBI Exome Sequencing Project, indicating it is not a common benign variant in these populations. In addition, mutations in nearby residues (Ile818Asn, Met822Thr, Met822Val, Gly823Glu) have been reported in association with cardiomyopathy, supporting the functional significance of this region of the protein. With the clinical and molecular information available at this time, we cannot definitively determine if Ala820Pro is a disease-causing mutation or a rare benign variant. The variant is found in HCM panel(s).

NM_000257.4(MYH7):c.2458G>C (p.Ala820Pro)

Genes: MYH7 (myosin heavy chain 7; minus strand), LOC126861898 (BRD4-independent group 4 enhancer GRCh37_chr14:23893609-23894808; plus strand). Cytogenetic location: 14q11.2.
Variant type: single nucleotide variant.
Coding change: c.2458G>C on transcript NM_000257.4 (MANE Select); coding-DNA position 2458, G replaced by C.
Protein change: p.Ala820Pro; replaces alanine 820 with proline.
Molecular consequence: missense variant.
Genome position (GRCh38, 1-based): chr14:23,424,990, C>G on the plus strand (G>C on the coding strand, the complement: MYH7 is on the minus strand). VCF-style: chr14-23424990-C-G. GRCh37 (hg19) VCF-style: chr14-23894199-C-G.
Other names: p.A820P:GCC>CCC; c.2458G>C (LRG_384t1); short protein forms A820P.
Identifiers: ClinVar variation 181186 (VCV000181186.2), dbSNP rs730880740, ClinGen allele CA012344.